The following is an entry in ClinVar:

ClinVar aggregate classification (germline): Uncertain significance (0 of 4 stars; one submission).

Conditions:
ABCD4-related disorder. Also called: ABCD4-related condition.

Allele frequency attached by ClinVar (database versions not stated): ESP Exome Variant Server 0.00008.
gnomAD v4.1: 4 of 1,613,858 alleles (0.00025%); highest among the groups gnomAD compares: African/African-American, 0.0013%; no homozygotes.

Submission:

PreventionGenetics, part of Exact Sciences
Classification: Uncertain significance for ABCD4-related condition. Last evaluated: 2024-01-07. Review status: no assertion criteria provided. Collection method: clinical testing. Allele origin: germline.
Comment: The ABCD4 c.1118+1G>C variant is predicted to disrupt the GT donor site and interfere with normal splicing. To our knowledge, this variant has not been reported in the literature. This variant is reported in 0.0062% of alleles in individuals of African descent in gnomAD. Of note, this variant is non coding when annotated with the most expressed transcripts in gnomAD (ENST00000481348.1 and ENST00000481935.1). Although we suspect that this variant may be pathogenic, at this time, the clinical significance of this variant is uncertain due to the absence of conclusive functional and genetic evidence.

NM_005050.4(ABCD4):c.1118+1G>C

Gene: ABCD4 (ATP binding cassette subfamily D member 4; minus strand). Cytogenetic location: 14q24.3.
Variant type: single nucleotide variant.
Coding change: c.1118+1G>C on transcript NM_005050.4 (MANE Select); the canonical splice donor site of the intron after coding-DNA position 1118, G replaced by C.
Molecular consequence: splice donor variant.
Genome position (GRCh38, 1-based): chr14:74,292,286, C>G on the plus strand (G>C on the coding strand, the complement: ABCD4 is on the minus strand). VCF-style: chr14-74292286-C-G. GRCh37 (hg19) VCF-style: chr14-74758989-C-G.
Other names: c.329+1G>C (NM_001353607.2, NM_001353604.2, NM_001353603.2 and 6 more transcripts); c.641+1G>C (NM_001353598.2, NM_001353601.2, NM_001353600.2 and 2 more transcripts); c.806+1G>C (NM_001353594.2); c.857+1G>C (NM_001353593.2); c.653+1G>C (NM_001353597.2); c.704+1G>C (NM_001353596.2, NM_001353595.2); c.992+1G>C (NM_001353591.2, NM_001353592.2); c.1118+1G>C (NM_020325.3).
Identifiers: ClinVar variation 3036005 (VCV003036005.2), dbSNP rs142443294, ClinGen allele CA7266926.